The following is an entry in ClinVar:

ClinVar aggregate classification (germline): Benign/Likely benign. Review status: criteria provided, multiple submitters, no conflicts (2 of 4 stars). 4 submissions from 4 submitters: Benign (1); Likely benign (1). 2 of the submissions do not count toward it. Last evaluated 2026-01-16.

Conditions:
Oculotrichoanal syndrome (MOTA). Also called: MARLES SYNDROME; Manitoba Oculotrichoanal (MOTA) Syndrome. Identifiers: Orphanet 2717, MedGen C1855425, MONDO:0009560, OMIM 248450.

Allele frequency attached by ClinVar (database versions not stated): gnomAD exomes 0.00022 and 0.00056; ExAC 0.00066; 1000 Genomes Project 30x 0.00203; 1000 Genomes Project 0.00220; gnomAD 0.00238 and 0.00247; ESP Exome Variant Server 0.00246; TOPMed 0.00283.
gnomAD v4.1: 701 of 1,613,320 alleles (0.043%); highest among the groups gnomAD compares: African/African-American, 0.81%; 6 homozygotes.

Submissions (4):

Labcorp Genetics (formerly Invitae), Labcorp
Classification: Benign. Last evaluated: 2026-01-16. Review status: criteria provided, single submitter. Criteria: Invitae Variant Classification Sherloc (09022015). Collection method: clinical testing. Allele origin: germline.

Illumina Laboratory Services, Illumina
Classification: Likely benign for Oculotrichoanal syndrome. Last evaluated: 2018-01-12. Review status: criteria provided, single submitter. Criteria: ICSL Variant Classification Criteria 13 December 2019. Collection method: clinical testing. Allele origin: germline.
Comment: This variant was observed in the ICSL laboratory as part of a predisposition screen in an ostensibly healthy population. It had not been previously curated by ICSL or reported in the Human Gene Mutation Database (HGMD: prior to June 1st, 2018), and was therefore a candidate for classification through an automated scoring system. Utilizing variant allele frequency, disease prevalence and penetrance estimates, and inheritance mode, an automated score was calculated to assess if this variant is too frequent to cause the disease. Based on the score and internal cut-off values, a variant classified as likely benign is not then subjected to further curation. The score for this variant resulted in a classification of likely benign for this disease.

Clinical Genetics DNA and cytogenetics Diagnostics Lab, Erasmus MC, Erasmus Medical Center
Classification: Likely benign. Review status: no assertion criteria provided. Collection method: clinical testing. Allele origin: germline. Affected: yes. Study: VKGL Data-share Consensus. Not counted in ClinVar's aggregate classification.

Genome Diagnostics Laboratory, University Medical Center Utrecht
Classification: Likely benign. Review status: no assertion criteria provided. Collection method: clinical testing. Allele origin: germline. Affected: yes. Study: VKGL Data-share Consensus. Not counted in ClinVar's aggregate classification.

NM_001379081.2(FREM1):c.6528C>T (p.Ser2176=)

Gene: FREM1 (FRAS1 related extracellular matrix 1; minus strand). Cytogenetic location: 9p22.3.
Variant type: single nucleotide variant.
Coding change: c.6528C>T on transcript NM_001379081.2 (MANE Select); coding-DNA position 6528, C replaced by T.
Protein change: p.Ser2176=; no amino-acid change (serine 2176 retained).
Molecular consequence: synonymous variant. On other transcripts: 3 prime UTR variant (1), non-coding transcript variant (3).
Genome position (GRCh38, 1-based): chr9:14,737,408, G>A on the plus strand (C>T on the coding strand, the complement: FREM1 is on the minus strand). VCF-style: chr9-14737408-G-A. GRCh37 (hg19) VCF-style: chr9-14737406-G-A.
Other names: c.2136C>T, p.Ser712= (NM_001177704.3, NM_001370061.2); c.*139C>T (NM_001370058.2); c.6528C>T, p.Ser2176= (NM_144966.7).
Identifiers: ClinVar variation 366099 (VCV000366099.15), dbSNP rs144454947, ClinGen allele CA4989374.
Genomic context (GRCh38, chr9:14,737,408, plus strand): 5'-ATAAATAGGTGACAAACTCCAGGTGGCCCCCTGTAGGGTCTGTTATATTTAGAGTTTTCT[G>A]GAACACACATAATTATGAGGTTTGGCTCTCCTACAGTCTTTTGTTTGCCATTTCCCTTGT-3'
Protein context (NP_001366010.1, residues 2166-2179): RRAKPHNYVC[Ser2176=]RKL